The following is an entry in ClinVar:

ClinVar aggregate classification (germline): Pathogenic. Review status: criteria provided, single submitter (1 of 4 stars). 3 submissions from 3 submitters: Pathogenic (1). 2 of the submissions do not count toward it. Last evaluated 2020-07-16.

Conditions:
Alkaptonuria (AKU). Also called: Homogentisic acidura; Alkaptonuric ochronosis; HOMOGENTISIC ACID OXIDASE DEFICIENCY; Alcaptonuria. Identifiers: Orphanet 56, MedGen C0002066, MONDO:0008753, OMIM 203500.

gnomAD v4.1: 9 of 1,614,042 alleles (0.00056%); highest among the groups gnomAD compares: Non-Finnish European, 0.00068%; no homozygotes.

Submissions (3):

Labcorp Genetics (formerly Invitae), Labcorp
Classification: Pathogenic for Alkaptonuria. Last evaluated: 2020-07-16. Review status: criteria provided, single submitter. Criteria: Invitae Variant Classification Sherloc (09022015). Collection method: clinical testing. Allele origin: germline.
Comment: This variant has been observed in individual(s) with alkaptonuria (PMID: 11001939). ClinVar contains an entry for this variant (Variation ID: 370979). This variant is present in population databases (rs760206323, ExAC 0.005%). This sequence change affects a donor splice site in the last intron (intron 13) of the HGD gene. While this is not anticipated to result in nonsense mediated decay, it likely alters RNA splicing and results in a disrupted protein product. Nucleotide substitutions within the consensus splice site are a relatively common cause of aberrant splicing (PMID: 17576681, 9536098). Algorithms developed to predict the effect of sequence changes on RNA splicing suggest that this variant may disrupt the consensus splice site, but this prediction has not been confirmed by published transcriptional studies. For these reasons, this variant has been classified as Pathogenic. This variant disrupts the C-terminus of the HGD protein. Other variant(s) that disrupt this region (p.Lys431Hisfs*11) have been determined to be pathogenic (PMID: 23430897, 25681086, Invitae). This suggests that variants that disrupt this region of the protein are likely to be causative of disease.

Counsyl
Classification: Likely pathogenic for Alkaptonuria. Last evaluated: 2016-05-26. Review status: no assertion criteria provided. Collection method: clinical testing. Allele origin: unknown. Not counted in ClinVar's aggregate classification.

Department Of Human Genetics, Institute Of Clinical And Translational Research, Biomedical Research Center, Slovak Academy Of Sciences
Classification: Pathogenic for Alkaptonuria. Review status: no assertion criteria provided. Collection method: research. Allele origin: germline. Inheritance: Autosomal recessive inheritance. Affected: yes. Observed: 2 variant alleles. Not counted in ClinVar's aggregate classification.
Comment: The variant was originally described in AKU patient in PMID:11001939. It has been submitted to the HGD gene mutation database (DB-ID: AKU_00101).

Literature cited by the submitters: PubMed 11001939 (cited by Labcorp Genetics (formerly Invitae), Labcorp and Department Of Human Genetics, Institute Of Clinical And Translational Research, Biomedical Research Center, Slovak Academy Of Sciences); PubMed 17576681 (cited by Labcorp Genetics (formerly Invitae), Labcorp); PubMed 9536098 (cited by Labcorp Genetics (formerly Invitae), Labcorp); PubMed 23430897 (cited by Labcorp Genetics (formerly Invitae), Labcorp); PubMed 25681086 (cited by Labcorp Genetics (formerly Invitae), Labcorp); PubMed 25525159 (cited by Counsyl); PubMed 19862842 (cited by Counsyl).

NM_000187.4(HGD):c.1188+1G>T

Gene: HGD (homogentisate 1,2-dioxygenase; minus strand). Cytogenetic location: 3q13.33.
Variant type: single nucleotide variant.
Coding change: c.1188+1G>T on transcript NM_000187.4 (MANE Select); the canonical splice donor site of the intron after coding-DNA position 1188, G replaced by T.
Molecular consequence: splice donor variant.
Genome position (GRCh38, 1-based): chr3:120,633,146, C>A on the plus strand (G>T on the coding strand, the complement: HGD is on the minus strand). VCF-style: chr3-120633146-C-A. GRCh37 (hg19) VCF-style: chr3-120351993-C-A.
Identifiers: ClinVar variation 370979 (VCV000370979.13), dbSNP rs760206323, ClinGen allele CA2559950.